The following is an entry in ClinVar:

NM_001451.3(FOXF1):c.758C>T (p.Ala253Val)

Gene: FOXF1 (forkhead box F1; plus strand). Cytogenetic location: 16q24.1.
Variant type: single nucleotide variant.
Coding change: c.758C>T on transcript NM_001451.3 (MANE Select); coding-DNA position 758, C replaced by T.
Protein change: p.Ala253Val; replaces alanine 253 with valine.
Molecular consequence: missense variant.
Genome position (GRCh38, 1-based): chr16:86,511,327, C>T. VCF-style: chr16-86511327-C-T. GRCh37 (hg19) VCF-style: chr16-86544933-C-T.
Other names: short protein forms A253V.
Identifiers: ClinVar variation 3600762 (VCV003600762.1).

ClinVar aggregate classification (germline): Uncertain significance (1 of 4 stars; one submission).

Submission:

GeneDx
Classification: Uncertain significance. Last evaluated: 2024-07-26. Review status: criteria provided, single submitter. Criteria: GeneDx Variant Classification Process June 2021. Collection method: clinical testing. Allele origin: germline. Affected: yes.
Comment: In silico analysis indicates that this missense variant does not alter protein structure/function; Has not been previously published as pathogenic or benign to our knowledge